The following is an entry in ClinVar:

ClinVar aggregate classification (germline): Likely benign (1 of 4 stars; one submission).

gnomAD v4.1: 6 of 1,614,220 alleles (0.00037%); highest among the groups gnomAD compares: Non-Finnish European, 0.00051%; no homozygotes.

Submission:

Women's Health and Genetics/Laboratory Corporation of America, LabCorp
Classification: Likely benign. Last evaluated: 2026-05-28. Review status: criteria provided, single submitter. Criteria: LabCorp Variant Classification Summary - May 2015. Collection method: clinical testing. Allele origin: germline.
Comment: Variant summary: TRIO c.1266C>A alters a conserved nucleotide resulting in a synonymous change. Consensus agreement among computation tools predict no significant impact on normal splicing. However, these predictions have yet to be confirmed by functional studies. The variant was absent in 251402 control chromosomes. The available data on variant occurrences in the general population are insufficient to allow any conclusion about variant significance. To our knowledge, no occurrence of c.1266C>A in individuals affected with TRIO-related conditions and no experimental evidence demonstrating its impact on protein function have been reported. No submitters have cited clinical-significance assessments for this variant to ClinVar. Based on the evidence outlined above, the variant was classified as likely benign.

NM_007118.4(TRIO):c.1266C>A (p.Ile422=)

Gene: TRIO (trio Rho guanine nucleotide exchange factor; plus strand). Cytogenetic location: 5p15.2.
Variant type: single nucleotide variant.
Coding change: c.1266C>A on transcript NM_007118.4 (MANE Select); coding-DNA position 1266, C replaced by A.
Protein change: p.Ile422=; no amino-acid change (isoleucine 422 retained).
Molecular consequence: synonymous variant. On other transcripts: non-coding transcript variant (1).
Genome position (GRCh38, 1-based): chr5:14,297,161, C>A. VCF-style: chr5-14297161-C-A. GRCh37 (hg19) VCF-style: chr5-14297270-C-A.
Identifiers: ClinVar variation 4853316 (VCV004853316.1).